The following is an entry in ClinVar:

ClinVar aggregate classification (germline): Uncertain significance (1 of 4 stars; one submission).

Conditions:
Mendelian susceptibility to mycobacterial diseases due to complete IL12B deficiency. Also called: IL12B DEFICIENCY; Immunodeficiency 29. Identifiers: Orphanet 319558, MedGen C4013948, MONDO:0013954, OMIM 614890.

Allele frequency attached by ClinVar (database versions not stated): gnomAD 0.00001; TOPMed 0.00001.
gnomAD v4.1: 2 of 1,613,926 alleles (0.00012%); highest among the groups gnomAD compares: African/African-American, 0.0027%; no homozygotes.

Submission:

Labcorp Genetics (formerly Invitae), Labcorp
Classification: Uncertain significance for Mendelian susceptibility to mycobacterial diseases due to complete IL12B deficiency. Last evaluated: 2017-09-27. Review status: criteria provided, single submitter. Criteria: Invitae Variant Classification Sherloc (09022015). Collection method: clinical testing. Allele origin: germline.
Comment: This sequence change replaces proline with leucine at codon 207 of the IL12B protein (p.Pro207Leu). The proline residue is highly conserved and there is a moderate physicochemical difference between proline and leucine. This variant is not present in population databases (ExAC no frequency). This variant has not been reported in the literature in individuals with IL12B-related disease. Algorithms developed to predict the effect of missense changes on protein structure and function do not agree on the potential impact of this missense change (SIFT: "Tolerated"; PolyPhen-2: "Possibly Damaging"; Align-GVGD: "Class C0"). In summary, the available evidence is currently insufficient to determine the role of this variant in disease. Therefore, it has been classified as a Variant of Uncertain Significance.

NM_002187.3(IL12B):c.620C>T (p.Pro207Leu)

Gene: IL12B (interleukin 12B; minus strand). Cytogenetic location: 5q33.3.
Variant type: single nucleotide variant.
Coding change: c.620C>T on transcript NM_002187.3 (MANE Select); coding-DNA position 620, C replaced by T.
Protein change: p.Pro207Leu; replaces proline 207 with leucine.
Molecular consequence: missense variant.
Genome position (GRCh38, 1-based): chr5:159,320,383, G>A on the plus strand (C>T on the coding strand, the complement: IL12B is on the minus strand). VCF-style: chr5-159320383-G-A. GRCh37 (hg19) VCF-style: chr5-158747391-G-A.
Other names: short protein forms P207L.
Identifiers: ClinVar variation 541811 (VCV000541811.1), dbSNP rs1166346097, ClinGen allele CA362032589.
Genomic context (GRCh38, chr5:159,320,383, plus strand): 5'-AAGCTGCTGGTGTAGTTTTCATACTTGAGCTTGTGAACGGCATCCACCATGACCTCAATG[G>A]GCAGACTCTCCTCAGCAGCTGGGCAGGCACTGTCCTCCTGGCACTCCACTGAGTACTCAT-3'
Protein context (NP_002178.2, residues 197-217): SACPAAEESL[Pro207Leu]IEVMVDAVHK